The following is an entry in ClinVar:

NM_001943.5(DSG2):c.175C>T (p.Arg59Trp)

Gene: DSG2 (desmoglein 2; plus strand). Cytogenetic location: 18q12.1.
Variant type: single nucleotide variant.
Coding change: c.175C>T on transcript NM_001943.5 (MANE Select); coding-DNA position 175, C replaced by T.
Protein change: p.Arg59Trp; replaces arginine 59 with tryptophan.
Molecular consequence: missense variant.
Genome position (GRCh38, 1-based): chr18:31,519,896, C>T. VCF-style: chr18-31519896-C-T. GRCh37 (hg19) VCF-style: chr18-29099859-C-T.
Other names: c.175C>T (LRG_397t1); short protein forms R59W.
Identifiers: ClinVar variation 451391 (VCV000451391.17), dbSNP rs749602291, ClinGen allele CA043609.
Genomic context (GRCh38, chr18:31,519,896, plus strand): 5'-CCTAAACATCCTCATTTAGTGCGGCAAAAGCGCGCCTGGATCACCGCCCCCGTGGCTCTT[C>T]GGGAGGGAGAGGATCTGTCCAAGAAGAATCCAATTGCCAAGGTACCTCCTAAAGAGGAAC-3'
Protein context (NP_001934.2, residues 49-69): RAWITAPVAL[Arg59Trp]EGEDLSKKNP

ClinVar aggregate classification (germline): Conflicting classifications of pathogenicity. Review status: criteria provided, conflicting classifications (1 of 4 stars). 5 submissions from 5 submitters: Uncertain significance (4); Likely benign (1). Last evaluated 2025-10-28.

Conditions:
Arrhythmogenic right ventricular cardiomyopathy (ARVD). Also called: Cardiomyopathy, ARVC; Arrhythmogenic right ventricular dysplasia; Arrhythmogenic cardiomyopathy; Arrhythmogenic Right Ventricular Cardiomyopathy (ARVC). Identifiers: Orphanet 247, MedGen C0349788, MeSH D019571, MONDO:0016587. Disease mechanism: loss of function. Inheritance: Various modes of inheritance.
Cardiomyopathy (CMYO). Also called: Cardiomyopathies. Identifiers: Orphanet 167848, MedGen C0878544, MONDO:0004994, HP:0001638. Inheritance: Various modes of inheritance.
Arrhythmogenic right ventricular dysplasia 10. Also called: Arrhythmogenic right ventricular dysplasia/cardiomyopathy, type 10; Arrhythmogenic Right Ventricular Dysplasia/Cardiomyopathy10; ARRHYTHMOGENIC RIGHT VENTRICULAR DYSPLASIA, FAMILIAL, 10. Identifiers: MedGen C1857777, MONDO:0012434, OMIM 610193.

Allele frequency attached by ClinVar (database versions not stated): ExAC 0.00002; TOPMed 0.00002; gnomAD exomes 0.00003; gnomAD 0.00005.
gnomAD v4.1: 55 of 1,613,972 alleles (0.0034%); highest among the groups gnomAD compares: East Asian, 0.016%; no homozygotes.

Submissions (5):

GeneDx
Classification: Uncertain significance. Last evaluated: 2025-10-28. Review status: criteria provided, single submitter. Criteria: GeneDx Variant Classification Process June 2021. Collection method: clinical testing. Allele origin: germline. Affected: yes.
Comment: In silico analysis supports that this missense variant has a deleterious effect on protein structure/function; Has not been previously published as pathogenic or benign to our knowledge

Labcorp Genetics (formerly Invitae), Labcorp
Classification: Uncertain significance for Arrhythmogenic right ventricular dysplasia 10. Last evaluated: 2025-07-20. Review status: criteria provided, single submitter. Criteria: Invitae Variant Classification Sherloc (09022015). Collection method: clinical testing. Allele origin: germline.
Comment: This sequence change replaces arginine, which is basic and polar, with tryptophan, which is neutral and slightly polar, at codon 59 of the DSG2 protein (p.Arg59Trp). This variant is present in population databases (rs749602291, gnomAD 0.03%). This variant has not been reported in the literature in individuals affected with DSG2-related conditions. ClinVar contains an entry for this variant (Variation ID: 451391). Invitae Evidence Modeling of protein sequence and biophysical properties (such as structural, functional, and spatial information, amino acid conservation, physicochemical variation, residue mobility, and thermodynamic stability) has been performed for this missense variant. However, the output from this modeling did not meet the statistical confidence thresholds required to predict the impact of this variant on DSG2 protein function. In summary, the available evidence is currently insufficient to determine the role of this variant in disease. Therefore, it has been classified as a Variant of Uncertain Significance.

All of Us Research Program, National Institutes of Health
Classification: Uncertain significance for Arrhythmogenic right ventricular cardiomyopathy. Last evaluated: 2024-06-09. Review status: criteria provided, single submitter. Criteria: ACMG Guidelines, 2015. Collection method: clinical testing. Allele origin: germline. Inheritance: Autosomal dominant inheritance. Observed: 3 variant alleles, 3 heterozygotes.
Comment: This missense variant replaces arginine with tryptophan at codon 59 of the DSG2 protein. Computational prediction suggests that this variant may not impact protein structure and function (internally defined REVEL score threshold <= 0.5, PMID: 27666373). To our knowledge, functional studies have not been reported for this variant. This variant has not been reported in individuals affected with cardiovascular disorders in the literature. This variant has been identified in 13/280864 chromosomes in the general population by the Genome Aggregation Database (gnomAD). The available evidence is insufficient to determine the role of this variant in disease conclusively. Therefore, this variant is classified as a Variant of Uncertain Significance.

This study involves interpretation of variants in research participants for the purpose of population health screening. Participant phenotype was not available at the time of variant classification. Additional details can be found in publication PMID: 35346344, PMCID: PMC8962531

Color Diagnostics, LLC DBA Color Health
Classification: Uncertain significance for Cardiomyopathy. Last evaluated: 2024-05-23. Review status: criteria provided, single submitter. Criteria: ACMG Guidelines, 2015. Collection method: clinical testing. Allele origin: germline.
Comment: This missense variant replaces arginine with tryptophan at codon 59 of the DSG2 protein. Computational prediction suggests that this variant may not impact protein structure and function. To our knowledge, functional studies have not been reported for this variant. This variant has not been reported in individuals affected with cardiovascular disorders in the literature. This variant has been identified in 13/280864 chromosomes in the general population by the Genome Aggregation Database (gnomAD). The available evidence is insufficient to determine the role of this variant in disease conclusively. Therefore, this variant is classified as a Variant of Uncertain Significance.

Blueprint Genetics
Classification: Likely benign. Last evaluated: 2024-05-20. Review status: criteria provided, single submitter. Criteria: ACMG Guidelines, 2015. Collection method: clinical testing. Allele origin: germline.